The following is an entry in ClinVar:

NM_000460.4(THPO):c.815C>T (p.Pro272Leu)

Gene: THPO (thrombopoietin; minus strand). Cytogenetic location: 3q27.1.
Variant type: single nucleotide variant.
Coding change: c.815C>T on transcript NM_000460.4 (MANE Select); coding-DNA position 815, C replaced by T.
Protein change: p.Pro272Leu; replaces proline 272 with leucine.
Molecular consequence: missense variant. On other transcripts: synonymous variant (4).
Genome position (GRCh38, 1-based): chr3:184,372,760, G>A on the plus strand (C>T on the coding strand, the complement: THPO is on the minus strand). VCF-style: chr3-184372760-G-A. GRCh37 (hg19) VCF-style: chr3-184090548-G-A.
Other names: c.815C>T (NM_000460.2); c.803C>T, p.Pro268Leu (NM_001177597.2, NM_001290022.1); c.798C>T, p.Pro266= (NM_001177598.2, NM_001290026.1); c.699C>T, p.Pro233= (NM_001289997.1, NM_001290027.1); c.815C>T, p.Pro272Leu (NM_001289998.1, NM_001290028.1); c.1235C>T, p.Pro412Leu (NM_001290003.1); short protein forms P268L, P412L, P272L.
Identifiers: ClinVar variation 1919504 (VCV001919504.6), dbSNP rs762596097, ClinGen allele CA2734862.

ClinVar aggregate classification (germline): Uncertain significance. Review status: criteria provided, multiple submitters, no conflicts (2 of 4 stars). 2 submissions from 2 submitters: Uncertain significance (2). Last evaluated 2025-09-01.

Conditions:
Inborn genetic diseases. Identifiers: MedGen C0950123, MeSH D030342.

Allele frequency attached by ClinVar (database versions not stated): gnomAD 0.00001; ExAC 0.00002; gnomAD exomes 0.00002.
gnomAD v4.1: 38 of 1,613,916 alleles (0.0024%); highest among the groups gnomAD compares: South Asian, 0.0088%; no homozygotes.

Submissions (2):

Ambry Genetics
Classification: Uncertain significance for Inborn genetic diseases. Last evaluated: 2025-09-01. Review status: criteria provided, single submitter. Criteria: Ambry Variant Classification Scheme 2023. Collection method: clinical testing. Allele origin: germline.

Labcorp Genetics (formerly Invitae), Labcorp
Classification: Uncertain significance. Last evaluated: 2024-10-07. Review status: criteria provided, single submitter. Criteria: Invitae Variant Classification Sherloc (09022015). Collection method: clinical testing. Allele origin: germline.
Comment: This sequence change replaces proline, which is neutral and non-polar, with leucine, which is neutral and non-polar, at codon 272 of the THPO protein (p.Pro272Leu). This variant is present in population databases (rs762596097, gnomAD 0.01%). This variant has not been reported in the literature in individuals affected with THPO-related conditions. ClinVar contains an entry for this variant (Variation ID: 1919504). Invitae Evidence Modeling of protein sequence and biophysical properties (such as structural, functional, and spatial information, amino acid conservation, physicochemical variation, residue mobility, and thermodynamic stability) indicates that this missense variant is not expected to disrupt THPO protein function with a negative predictive value of 80%. In summary, the available evidence is currently insufficient to determine the role of this variant in disease. Therefore, it has been classified as a Variant of Uncertain Significance.